The following is an entry in ClinVar:

ClinVar aggregate classification (germline): Benign (0 of 4 stars; one submission).

Conditions:
MDN1-related disorder. Also called: MDN1-related condition.

Allele frequency attached by ClinVar (database versions not stated): gnomAD exomes 0.00030; ExAC 0.00091; 1000 Genomes Project 0.00180; 1000 Genomes Project 30x 0.00234; gnomAD 0.00309; ESP Exome Variant Server 0.00315; TOPMed 0.00353.
gnomAD v4.1: 913 of 1,614,168 alleles (0.057%); highest among the groups gnomAD compares: African/African-American, 1.1%; 8 homozygotes.

Submission:

PreventionGenetics, part of Exact Sciences
Classification: Benign for MDN1-related condition. Last evaluated: 2019-06-06. Review status: no assertion criteria provided. Collection method: clinical testing. Allele origin: germline.
Comment: This variant is classified as benign based on ACMG/AMP sequence variant interpretation guidelines (Richards et al. 2015 PMID: 25741868, with internal and published modifications).

NM_014611.3(MDN1):c.3142A>G (p.Lys1048Glu)

Gene: MDN1 (midasin AAA ATPase 1; minus strand). Cytogenetic location: 6q15.
Variant type: single nucleotide variant.
Coding change: c.3142A>G on transcript NM_014611.3 (MANE Select); coding-DNA position 3142, A replaced by G.
Protein change: p.Lys1048Glu; replaces lysine 1048 with glutamic acid.
Molecular consequence: missense variant.
Genome position (GRCh38, 1-based): chr6:89,751,516, T>C on the plus strand (A>G on the coding strand, the complement: MDN1 is on the minus strand). VCF-style: chr6-89751516-T-C. GRCh37 (hg19) VCF-style: chr6-90461235-T-C.
Other names: short protein forms K1048E.
Identifiers: ClinVar variation 3044756 (VCV003044756.2), dbSNP rs115558420, ClinGen allele CA3925440.